The following is an entry in ClinVar:

ClinVar aggregate classification (germline): Likely benign (1 of 4 stars; one submission).

Submission:

CeGaT Center for Human Genetics Tuebingen
Classification: Likely benign. Last evaluated: 2022-06-01. Review status: criteria provided, single submitter. Criteria: CeGaT Center For Human Genetics Tuebingen Variant Classification Criteria Version 2. Collection method: clinical testing. Allele origin: germline. Affected: yes. Observed: 1 variant allele.
Comment: DOCK6: PM2:Supporting, BP4, BP7

NM_020812.4(DOCK6):c.4398C>G (p.Leu1466=)

Genes: DOCK6 (dedicator of cytokinesis 6; minus strand), DOCK6-AS1 (DOCK6 antisense RNA 1; plus strand). Cytogenetic location: 19p13.2.
Variant type: single nucleotide variant.
Coding change: c.4398C>G on transcript NM_020812.4 (MANE Select); coding-DNA position 4398, C replaced by G.
Protein change: p.Leu1466=; no amino-acid change (leucine 1466 retained).
Molecular consequence: synonymous variant.
Genome position (GRCh38, 1-based): chr19:11,213,269, G>C on the plus strand (C>G on the coding strand, the complement: DOCK6 is on the minus strand). VCF-style: chr19-11213269-G-C. GRCh37 (hg19) VCF-style: chr19-11323945-G-C.
Other names: c.4503C>G, p.Leu1501= (NM_001367830.1).
Identifiers: ClinVar variation 2649319 (VCV002649319.24), dbSNP rs1407865519, ClinGen allele CA505493825.